The following is an entry in ClinVar:

ClinVar aggregate classification (germline): Uncertain significance (1 of 4 stars; one submission).

Allele frequency attached by ClinVar (database versions not stated): gnomAD exomes below 0.00001; TOPMed below 0.00001; gnomAD 0.00001.
gnomAD v4.1: 7 of 1,611,096 alleles (0.00043%); highest among the groups gnomAD compares: East Asian, 0.0022%; no homozygotes.

Submission:

Labcorp Genetics (formerly Invitae), Labcorp
Classification: Uncertain significance. Last evaluated: 2023-04-25. Review status: criteria provided, single submitter. Criteria: Invitae Variant Classification Sherloc (09022015). Collection method: clinical testing. Allele origin: germline.
Comment: This sequence change replaces arginine, which is basic and polar, with cysteine, which is neutral and slightly polar, at codon 447 of the NEDD4L protein (p.Arg447Cys). This variant is not present in population databases (gnomAD no frequency). This variant has not been reported in the literature in individuals affected with NEDD4L-related conditions. An algorithm developed to predict the effect of missense changes on protein structure and function (PolyPhen-2) suggests that this variant is likely to be disruptive. In summary, the available evidence is currently insufficient to determine the role of this variant in disease. Therefore, it has been classified as a Variant of Uncertain Significance.

NM_001144967.3(NEDD4L):c.1399C>T (p.Arg467Cys)

Gene: NEDD4L (NEDD4 like E3 ubiquitin protein ligase; plus strand). Cytogenetic location: 18q21.31.
Variant type: single nucleotide variant.
Coding change: c.1399C>T on transcript NM_001144967.3 (MANE Select); coding-DNA position 1399, C replaced by T.
Protein change: p.Arg467Cys; replaces arginine 467 with cysteine.
Molecular consequence: missense variant.
Genome position (GRCh38, 1-based): chr18:58,342,927, C>T. VCF-style: chr18-58342927-C-T. GRCh37 (hg19) VCF-style: chr18-56010159-C-T.
Other names: c.1036C>T, p.Arg346Cys (NM_001144964.1, NM_001144965.2, NM_001144966.3); c.1375C>T, p.Arg459Cys (NM_001144968.2); c.1315C>T, p.Arg439Cys (NM_001144969.2); c.976C>T, p.Arg326Cys (NM_001144970.3, NM_001144971.2); c.1207C>T, p.Arg403Cys (NM_001243960.2); c.1339C>T, p.Arg447Cys (NM_015277.6); short protein forms R403C, R326C, R346C, R439C, R447C, R459C, R467C.
Identifiers: ClinVar variation 2859587 (VCV002859587.3), dbSNP rs952655555, ClinGen allele CA300873556.